The following is an entry in ClinVar:

NM_004260.4(RECQL4):c.1494G>A (p.Thr498=)

Gene: RECQL4 (RecQ like helicase 4; minus strand). Cytogenetic location: 8q24.3.
Variant type: single nucleotide variant.
Coding change: c.1494G>A on transcript NM_004260.4 (MANE Select); coding-DNA position 1494, G replaced by A.
Protein change: p.Thr498=; no amino-acid change (threonine 498 retained).
Molecular consequence: synonymous variant.
Genome position (GRCh38, 1-based): chr8:144,515,062, C>T on the plus strand (G>A on the coding strand, the complement: RECQL4 is on the minus strand). VCF-style: chr8-144515062-C-T. GRCh37 (hg19) VCF-style: chr8-145740446-C-T.
Identifiers: ClinVar variation 414222 (VCV000414222.39), dbSNP rs557281237, ClinGen allele CA4948822.

ClinVar aggregate classification (germline): Likely benign. Review status: criteria provided, multiple submitters, no conflicts (2 of 4 stars). 4 submissions from 4 submitters: Likely benign (4). Last evaluated 2026-01-01.

Conditions:
Inborn genetic diseases. Identifiers: MedGen C0950123, MeSH D030342.
Baller-Gerold syndrome (BGS). Also called: CRANIOSYNOSTOSIS WITH RADIAL DEFECTS. Identifiers: Orphanet 1225, MedGen C0265308, MONDO:0009039, OMIM 218600.

Allele frequency attached by ClinVar (database versions not stated): 1000 Genomes Project 0.00020; ExAC 0.00001; TOPMed 0.00002; 1000 Genomes Project 30x 0.00016.
gnomAD v4.1: 28 of 1,607,342 alleles (0.0017%); highest among the groups gnomAD compares: African/African-American, 0.0053%; no homozygotes.

Submissions (4):

CeGaT Center for Human Genetics Tuebingen
Classification: Likely benign. Last evaluated: 2026-01-01. Review status: criteria provided, single submitter. Criteria: CeGaT Center For Human Genetics Tuebingen Variant Classification Criteria Version 2. Collection method: clinical testing. Allele origin: germline. Affected: yes. Observed: 4 variant alleles.
Comment: RECQL4: BP4, BP7

Labcorp Genetics (formerly Invitae), Labcorp
Classification: Likely benign for Baller-Gerold syndrome. Last evaluated: 2025-12-09. Review status: criteria provided, single submitter. Criteria: Invitae Variant Classification Sherloc (09022015). Collection method: clinical testing. Allele origin: germline.

Ambry Genetics
Classification: Likely benign for Inborn genetic diseases. Last evaluated: 2024-11-21. Review status: criteria provided, single submitter. Criteria: Ambry Variant Classification Scheme 2023. Collection method: clinical testing. Allele origin: germline.

Genetic Services Laboratory, University of Chicago
Classification: Likely benign. Last evaluated: 2021-11-15. Review status: criteria provided, single submitter. Criteria: ACMG Guidelines, 2015. Collection method: clinical testing. Allele origin: germline. Affected: no.